The following is an entry in ClinVar:

NM_000455.5(STK11):c.318G>C (p.Arg106=)

Gene: STK11 (serine/threonine kinase 11; plus strand). Cytogenetic location: 19p13.3.
Variant type: single nucleotide variant.
Coding change: c.318G>C on transcript NM_000455.5 (MANE Select); coding-DNA position 318, G replaced by C.
Protein change: p.Arg106=; no amino-acid change (arginine 106 retained).
Molecular consequence: synonymous variant.
Genome position (GRCh38, 1-based): chr19:1,218,444, G>C. VCF-style: chr19-1218444-G-C. GRCh37 (hg19) VCF-style: chr19-1218443-G-C.
Identifiers: ClinVar variation 1651650 (VCV001651650.9), dbSNP rs777784520, ClinGen allele CA504706542.

ClinVar aggregate classification (germline): Benign/Likely benign. Review status: criteria provided, multiple submitters, no conflicts (2 of 4 stars). 2 submissions from 2 submitters: Benign (1); Likely benign (1). Last evaluated 2025-05-19.

Conditions:
Peutz-Jeghers syndrome (PJS). Also called: POLYPOSIS, HAMARTOMATOUS INTESTINAL; POLYPS-AND-SPOTS SYNDROME; Peutz-Jeghers polyposis; Periorificial lentiginosis syndrome. Identifiers: Orphanet 2869, MedGen C0031269, MeSH D010580, MONDO:0008280, OMIM 175200.

Submissions (2):

Labcorp Genetics (formerly Invitae), Labcorp
Classification: Likely benign for Peutz-Jeghers syndrome. Last evaluated: 2025-05-19. Review status: criteria provided, single submitter. Criteria: Invitae Variant Classification Sherloc (09022015). Collection method: clinical testing. Allele origin: germline.

Myriad Genetics, Inc.
Classification: Benign for Peutz-Jeghers syndrome. Last evaluated: 2025-03-25. Review status: criteria provided, single submitter. Criteria: Myriad Autosomal Dominant, Autosomal Recessive and X-Linked Classification Criteria (2023). Collection method: clinical testing. Allele origin: unknown.
Comment: This variant is considered benign. This variant is a silent/synonymous amino acid change and it is not expected to impact splicing.